The following is an entry in ClinVar:

NM_015089.4(CUL9):c.1075C>G (p.Gln359Glu)

Gene: CUL9 (cullin 9; plus strand). Cytogenetic location: 6p21.1.
Variant type: single nucleotide variant.
Coding change: c.1075C>G on transcript NM_015089.4 (MANE Select); coding-DNA position 1075, C replaced by G.
Protein change: p.Gln359Glu; replaces glutamine 359 with glutamic acid.
Molecular consequence: missense variant.
Genome position (GRCh38, 1-based): chr6:43,186,279, C>G. VCF-style: chr6-43186279-C-G. GRCh37 (hg19) VCF-style: chr6-43154017-C-G.
Other names: short protein forms Q359E.
Identifiers: ClinVar variation 3043759 (VCV003043759.2), dbSNP rs150188923, ClinGen allele CA3817203.

ClinVar aggregate classification (germline): Benign (0 of 4 stars; one submission).

Conditions:
CUL9-related disorder. Also called: CUL9-related condition.

Allele frequency attached by ClinVar (database versions not stated): 1000 Genomes Project 0.00300; 1000 Genomes Project 30x 0.00328; TOPMed 0.00610; ESP Exome Variant Server 0.00638; gnomAD 0.00757; ExAC 0.00877; gnomAD exomes 0.00947.
gnomAD v4.1: 14,937 of 1,614,222 alleles (0.93%); highest among the groups gnomAD compares: Non-Finnish European, 1%; 97 homozygotes.

Submission:

PreventionGenetics, part of Exact Sciences
Classification: Benign for CUL9-related condition. Last evaluated: 2019-03-22. Review status: no assertion criteria provided. Collection method: clinical testing. Allele origin: germline.
Comment: This variant is classified as benign based on ACMG/AMP sequence variant interpretation guidelines (Richards et al. 2015 PMID: 25741868, with internal and published modifications).